The following is an entry in ClinVar:

ClinVar aggregate classification (germline): Uncertain significance (1 of 4 stars; one submission).

Conditions:
Capillary malformation-arteriovenous malformation 1 (CMAVM1). Identifiers: Orphanet 137667, Orphanet 693907, MedGen C4747394, MONDO:0020783, OMIM 608354.

Submission:

Clinical Genomics Laboratory, Washington University in St. Louis
Classification: Uncertain significance for Capillary malformation-arteriovenous malformation 1. Last evaluated: 2023-12-14. Review status: criteria provided, single submitter. Criteria: ACMG Guidelines, 2015. Collection method: clinical testing. Allele origin: germline.
Comment: A RASA1 c.898A>G (p.Ser300Gly) variant was identified at a near heterozygous allelic fraction of 46.4%, a frequency which may be consistent with germline origin. This variant, to our knowledge, has not been reported in the medical literature and is absent from the general population (gnomAD v.4.0.0), indicating it is not a common variant. It occurs only a single base pair away from the exon/intron boundary and computational predictors indicate that this variant would alter splicing, evidence that correlates to an impact of this variant on RASA1 function. The RASA1 gene is a gene that has a low rate of benign missense variation and where pathogenic missense variants are a common mechanism of disease. Due to limited information, and based on ACMG/AMP guidelines for variant interpretation (Richards S et al., PMID: 25741868), the clinical significance of this variant is uncertain at this time.

NM_002890.3(RASA1):c.898A>G (p.Ser300Gly)

Genes: CCNH (cyclin H; minus strand), RASA1 (RAS p21 protein activator 1; plus strand). Cytogenetic location: 5q14.3.
Variant type: single nucleotide variant.
Coding change: c.898A>G on transcript NM_002890.3 (MANE Select); coding-DNA position 898, A replaced by G.
Protein change: p.Ser300Gly; replaces serine 300 with glycine.
Molecular consequence: missense variant. On other transcripts: intron variant (1).
Genome position (GRCh38, 1-based): chr5:87,333,336, A>G. VCF-style: chr5-87333336-A-G. GRCh37 (hg19) VCF-style: chr5-86629153-A-G.
Other names: c.367A>G, p.Ser123Gly (NM_022650.3); c.934-20541T>C (NM_001364075.2); short protein forms S123G, S300G.
Identifiers: ClinVar variation 3237416 (VCV003237416.1), dbSNP rs2531194985.